The following is an entry in ClinVar:

ClinVar aggregate classification (germline): Conflicting classifications of pathogenicity. Review status: criteria provided, conflicting classifications (1 of 4 stars). 2 submissions from 2 submitters: Uncertain significance (1); Likely benign (1). Last evaluated 2023-07-18.

Conditions:
Dextro-looped transposition of the great arteries. Also called: Dextrotransposition of the great arteries. Identifiers: Orphanet 860, MedGen C3531771, MONDO:0019443, OMIM 608808, HP:0031348.
Inborn genetic diseases. Identifiers: MedGen C0950123, MeSH D030342.

Allele frequency attached by ClinVar (database versions not stated): TOPMed below 0.00001; ExAC 0.00001; gnomAD exomes 0.00001.

Submissions (2):

Labcorp Genetics (formerly Invitae), Labcorp
Classification: Uncertain significance for Dextro-looped transposition of the great arteries. Last evaluated: 2023-07-18. Review status: criteria provided, single submitter. Criteria: Invitae Variant Classification Sherloc (09022015). Collection method: clinical testing. Allele origin: germline.
Comment: In summary, the available evidence is currently insufficient to determine the role of this variant in disease. Therefore, it has been classified as a Variant of Uncertain Significance. Advanced modeling of protein sequence and biophysical properties (such as structural, functional, and spatial information, amino acid conservation, physicochemical variation, residue mobility, and thermodynamic stability) performed at Invitae indicates that this missense variant is not expected to disrupt MED13L protein function. ClinVar contains an entry for this variant (Variation ID: 521949). This variant has not been reported in the literature in individuals affected with MED13L-related conditions. This variant is present in population databases (rs752751372, gnomAD 0.003%). This sequence change replaces methionine, which is neutral and non-polar, with isoleucine, which is neutral and non-polar, at codon 1202 of the MED13L protein (p.Met1202Ile).

Ambry Genetics
Classification: Likely benign for Inborn genetic diseases. Last evaluated: 2021-06-29. Review status: criteria provided, single submitter. Criteria: Ambry Variant Classification Scheme 2023. Collection method: clinical testing. Allele origin: germline.

NM_015335.5(MED13L):c.3606G>A (p.Met1202Ile)

Gene: MED13L (mediator complex subunit 13L; minus strand). Cytogenetic location: 12q24.21.
Variant type: single nucleotide variant.
Coding change: c.3606G>A on transcript NM_015335.5 (MANE Select); coding-DNA position 3606, G replaced by A.
Protein change: p.Met1202Ile; replaces methionine 1202 with isoleucine.
Molecular consequence: missense variant.
Genome position (GRCh38, 1-based): chr12:115,991,348, C>T on the plus strand (G>A on the coding strand, the complement: MED13L is on the minus strand). VCF-style: chr12-115991348-C-T. GRCh37 (hg19) VCF-style: chr12-116429153-C-T.
Other names: short protein forms M1202I.
Identifiers: ClinVar variation 521949 (VCV000521949.8), dbSNP rs752751372, ClinGen allele CA6810962.